The following is an entry in ClinVar:

ClinVar aggregate classification (germline): Uncertain significance (1 of 4 stars; one submission).

Conditions:
Mitochondrial DNA depletion syndrome, encephalomyopathic form with methylmalonic aciduria (MTDPS5). Also called: Mitochondrial encephalomyopathy aminoacidopathy; MITOCHONDRIAL DNA DEPLETION SYNDROME, ENCEPHALOMYOPATHIC FORM, WITH OR WITHOUT METHYLMALONIC ACIDURIA, AUTOSOMAL RECESSIVE, SUCLA2-RELATED; Mitochondrial DNA depletion syndrome 5 (encephalomyopathic with or without methylmalonic aciduria); SUCLA2-Related Mitochondrial DNA Depletion Syndrome, Encephalomyopathic Form with Methylmalonic Aciduria. Identifiers: Orphanet 1933, MedGen C5980207, MONDO:0012791, OMIM 612073.

Allele frequency attached by ClinVar (database versions not stated): gnomAD 0.00001; TOPMed 0.00001; gnomAD exomes 0.00002; ExAC 0.00003.
gnomAD v4.1: 28 of 1,613,656 alleles (0.0017%); highest among the groups gnomAD compares: Non-Finnish European, 0.0011%; no homozygotes.

Submission:

Labcorp Genetics (formerly Invitae), Labcorp
Classification: Uncertain significance for Mitochondrial DNA depletion syndrome, encephalomyopathic form with methylmalonic aciduria. Last evaluated: 2021-09-02. Review status: criteria provided, single submitter. Criteria: Invitae Variant Classification Sherloc (09022015). Collection method: clinical testing. Allele origin: germline.
Comment: This sequence change replaces asparagine with serine at codon 191 of the SUCLA2 protein (p.Asn191Ser). The asparagine residue is highly conserved and there is a small physicochemical difference between asparagine and serine. This variant is present in population databases (rs764108833, ExAC 0.006%). This variant has not been reported in the literature in individuals affected with SUCLA2-related conditions. Algorithms developed to predict the effect of missense changes on protein structure and function are either unavailable or do not agree on the potential impact of this missense change (SIFT: "Deleterious"; PolyPhen-2: "Possibly Damaging"; Align-GVGD: "Class C15"). In summary, the available evidence is currently insufficient to determine the role of this variant in disease. Therefore, it has been classified as a Variant of Uncertain Significance.

NM_003850.3(SUCLA2):c.572A>G (p.Asn191Ser)

Gene: SUCLA2 (succinate-CoA ligase ADP-forming subunit beta; minus strand). Cytogenetic location: 13q14.2.
Variant type: single nucleotide variant.
Coding change: c.572A>G on transcript NM_003850.3 (MANE Select); coding-DNA position 572, A replaced by G.
Protein change: p.Asn191Ser; replaces asparagine 191 with serine.
Molecular consequence: missense variant.
Genome position (GRCh38, 1-based): chr13:47,973,355, T>C on the plus strand (A>G on the coding strand, the complement: SUCLA2 is on the minus strand). VCF-style: chr13-47973355-T-C. GRCh37 (hg19) VCF-style: chr13-48547490-T-C.
Other names: short protein forms N191S.
Identifiers: ClinVar variation 1366468 (VCV001366468.3), dbSNP rs764108833, ClinGen allele CA6977967.
Genomic context (GRCh38, chr13:47,973,355, plus strand): 5'-TCAATATCAATAGGTTCTTTAATTATTGCTTCAGGAGACTCAGCAGCAACATCTTCAATG[T>C]TGACACCACCATGTGAACTTCCTATTAATACAGGACCCTGGCAAGGGAAGTAAACAACCA-3'
Protein context (NP_003841.1, residues 181-201): VLIGSSHGGV[Asn191Ser]IEDVAAESPE